The following is an entry in ClinVar:

NM_007294.4(BRCA1):c.3634T>C (p.Ser1212Pro)

Genes: BRCA1 (BRCA1 DNA repair associated; minus strand), LOC126862571 (BRD4-independent group 4 enhancer GRCh37_chr17:41243136-41244335; plus strand). Cytogenetic location: 17q21.31.
Variant type: single nucleotide variant.
Coding change: c.3634T>C on transcript NM_007294.4 (MANE Select); coding-DNA position 3634, T replaced by C.
Protein change: p.Ser1212Pro; replaces serine 1212 with proline.
Molecular consequence: missense variant. On other transcripts: intron variant (135).
Genome position (GRCh38, 1-based): chr17:43,091,897, A>G on the plus strand (T>C on the coding strand, the complement: BRCA1 is on the minus strand). VCF-style: chr17-43091897-A-G. GRCh37 (hg19) VCF-style: chr17-41243914-A-G.
Other names: c.3511T>C, p.Ser1171Pro (NM_001407678.1, NM_001407679.1, NM_001407680.1 and 19 more transcripts); c.461-865T>C (NM_001408506.1, NM_001408507.1); c.578-865T>C (NM_001408481.1, NM_001408480.1, NM_001408492.1 and 9 more transcripts); c.779-865T>C (NM_001408408.1); c.785-865T>C (NM_001408396.1, NM_001407985.1, NM_001408401.1 and 13 more transcripts); c.662-865T>C (NM_001408446.1, NM_001408435.1, NM_001408448.1 and 6 more transcripts); c.548-865T>C (NM_001408494.1); c.665-865T>C (NM_001408444.1, NM_001408438.1, NM_001408430.1 and 12 more transcripts); and 41 more; short protein forms S1212P, S1165P, S1084P, S1100P, S1123P, S1142P, S1170P, S1171P.
Identifiers: ClinVar variation 801071 (VCV000801071.6), dbSNP rs1597862383, ClinGen allele CA10594700.
Genomic context (GRCh38, chr17:43,091,897, plus strand): 5'-CAAATAACAAGTGTTGGAAGCAGGGAAGCTCTTCATCCTCACTAGATAAGTTCTCTTCTG[A>G]GGACTCTAATTTCTTGGCCCCTCTTCGGTAACCCTGAGCCAAATGTGTATGGGTGAAAGG-3'
Protein context (NP_009225.1, residues 1202-1222): YRRGAKKLES[Ser1212Pro]EENLSSEDEE

ClinVar aggregate classification (germline): Conflicting classifications of pathogenicity. Review status: criteria provided, conflicting classifications (1 of 4 stars). 3 submissions from 3 submitters: Uncertain significance (2); Likely benign (1). Last evaluated 2024-06-09.

Conditions:
Hereditary cancer-predisposing syndrome. Also called: Tumor predisposition; Neoplastic Syndromes, Hereditary; Hereditary Cancer Syndrome; Hereditary neoplastic syndrome. Identifiers: Orphanet 140162, MedGen C0027672, MeSH D009386, MONDO:0015356.
BRCA1-related cancer predisposition. Identifiers: MedGen CN377757, MONDO:0700268.

Submissions (3):

All of Us Research Program, National Institutes of Health
Classification: Uncertain significance for BRCA1-related cancer predisposition. Last evaluated: 2024-06-09. Review status: criteria provided, single submitter. Criteria: ACMG Guidelines, 2015. Collection method: clinical testing. Allele origin: germline. Inheritance: Autosomal dominant inheritance. Observed: 1 variant allele, 1 heterozygote.
Comment: This missense variant replaces serine with proline at codon 1212 of the BRCA1 protein. Computational prediction is inconclusive regarding the impact of this variant on protein structure and function. To our knowledge, functional studies have not been reported for this variant. This variant has not been reported in individuals affected with BRCA1-related disorders in the literature. This variant has not been identified in the general population by the Genome Aggregation Database (gnomAD). The available evidence is insufficient to determine the role of this variant in disease conclusively. Therefore, this variant is classified as a Variant of Uncertain Significance.

This study involves interpretation of variants in research participants for the purpose of population health screening. Participant phenotype was not available at the time of variant classification. Additional details can be found in publication PMID: 35346344, PMCID: PMC8962531

University of Washington Department of Laboratory Medicine, University of Washington
Classification: Likely benign for Hereditary cancer-predisposing syndrome. Last evaluated: 2023-03-23. Review status: criteria provided, single submitter. Criteria: Dines et al. (Genet Med. 2020). Collection method: curation. Allele origin: germline.
Comment: Missense variant in a coldspot region where missense variants are very unlikely to be pathogenic (PMID:31911673).

BRCA1 coldspot (exon 11 using historical exon numbering). Reclassification based on statistical prior probability

Quest Diagnostics Nichols Institute San Juan Capistrano
Classification: Uncertain significance. Last evaluated: 2018-12-21. Review status: criteria provided, single submitter. Criteria: Quest Diagnostics criteria. Collection method: clinical testing. Allele origin: germline.